The following is an entry in ClinVar:

ClinVar aggregate classification (germline): Uncertain significance (1 of 4 stars; one submission).

Submission:

GeneDx
Classification: Uncertain significance. Last evaluated: 2025-03-31. Review status: criteria provided, single submitter. Criteria: GeneDx Variant Classification Process June 2021. Collection method: clinical testing. Allele origin: germline. Affected: yes.
Comment: Not observed at significant frequency in large population cohorts (gnomAD); In silico analysis supports that this missense variant has a deleterious effect on protein structure/function; Has not been previously published as pathogenic or benign to our knowledge

NM_134261.3(RORA):c.412A>T (p.Met138Leu)

Genes: RORA (RAR related orphan receptor A; minus strand), RORA-AS1 (RORA antisense RNA 1; plus strand). Cytogenetic location: 15q22.2.
Variant type: single nucleotide variant.
Coding change: c.412A>T on transcript NM_134261.3 (MANE Select); coding-DNA position 412, A replaced by T.
Protein change: p.Met138Leu; replaces methionine 138 with leucine.
Molecular consequence: missense variant.
Genome position (GRCh38, 1-based): chr15:60,514,628, T>A on the plus strand (A>T on the coding strand, the complement: RORA is on the minus strand). VCF-style: chr15-60514628-T-A. GRCh37 (hg19) VCF-style: chr15-60806827-T-A.
Other names: c.487A>T, p.Met163Leu (NM_002943.4); c.511A>T, p.Met171Leu (NM_134260.3); c.247A>T, p.Met83Leu (NM_134262.3); short protein forms M138L, M163L, M171L, M83L.
Identifiers: ClinVar variation 4278779 (VCV004278779.1).